The following is an entry in ClinVar:

NM_213655.5(WNK1):c.2220_2221insCTTCCACCCCACCGCCAGTACTGTCTGCACCTCTTTCTCCTTCCCTCCCCCATCTCTCCCAGTGCTC (p.Phe741fs)

Gene: WNK1 (WNK lysine deficient protein kinase 1; plus strand). Cytogenetic location: 12p13.33.
Variant type: Insertion.
Coding change: c.2220_2221insCTTCCACCCCACCGCCAGTACTGTCTGCACCTCTTTCTCCTTCCCTCCCCCATCTCTCCCAGTGCTC on transcript NM_213655.5 (MANE Plus Clinical); coding-DNA positions 2220 to 2221, CTTCCACCCCACCGCCAGTACTGTCTGCACCTCTTTCTCCTTCCCTCCCCCATCTCTCCCAGTGCTC inserted.
Protein change: p.Phe741fs; shifts the reading frame from phenylalanine 741.
Molecular consequence: frameshift variant. On other transcripts: intron variant (3).
Genome position: GRCh38: chr12:865,190-865,191. GRCh37 (hg19): chr12:974,356-974,357.
Other names: c.2140-2676_2140-2675insCTTCCACCCCACCGCCAGTACTGTCTGCACCTCTTTCTCCTTCCCTCCCCCATCTCTCCCAGTGCTC (NM_001184985.2); c.2139+2920_2139+2921insCTTCCACCCCACCGCCAGTACTGTCTGCACCTCTTTCTCCTTCCCTCCCCCATCTCTCCCAGTGCTC (NM_018979.4, NM_014823.3); short protein forms F741fs.
Identifiers: ClinVar variation 2921479 (VCV002921479.3), dbSNP rs2548723333, ClinGen allele CA943955444.

ClinVar aggregate classification (germline): Uncertain significance (1 of 4 stars; one submission).

Conditions:
Neuropathy, hereditary sensory and autonomic, type 2A (HSAN2A). Also called: HSAN IIA; WNK1-Related HSAN2 (HSAN2A); ACROOSTEOLYSIS, GIACCAI TYPE; ACROOSTEOLYSIS, NEUROGENIC; MORVAN DISEASE; NEUROPATHY, CONGENITAL SENSORY. Identifiers: Orphanet 970, MedGen C2752089, MONDO:0024309, OMIM 201300.
Pseudohypoaldosteronism type 2C (PHA2C). Also called: Pseudohypoaldosteronism Type IIC. Identifiers: Orphanet 757, Orphanet 88940, MedGen C1840391, MONDO:0013778, OMIM 614492.

Submission:

Labcorp Genetics (formerly Invitae), Labcorp
Classification: Uncertain significance for Neuropathy, hereditary sensory and autonomic, type 2A; Pseudohypoaldosteronism type 2C. Last evaluated: 2023-03-02. Review status: criteria provided, single submitter. Criteria: Invitae Variant Classification Sherloc (09022015). Collection method: clinical testing. Allele origin: germline.
Comment: This sequence change creates a premature translational stop signal (p.Phe741Leufs*52) in the WNK1 gene. However, it is currently unclear if variants that occur in this region of the gene cause disease. This variant is not present in population databases (gnomAD no frequency). This variant has not been reported in the literature in individuals affected with WNK1-related conditions. Experimental studies and prediction algorithms are not available or were not evaluated, and the functional significance of this variant is currently unknown. In summary, the available evidence is currently insufficient to determine the role of this variant in disease. Therefore, it has been classified as a Variant of Uncertain Significance.